The following is an entry in ClinVar:

ClinVar aggregate classification (germline): Conflicting classifications of pathogenicity. Review status: criteria provided, conflicting classifications (1 of 4 stars). 3 submissions from 3 submitters: Uncertain significance (2); Likely benign (1). Last evaluated 2026-03-10.

Conditions:
Intellectual developmental disorder with speech delay, autism, and dysmorphic facies. Identifiers: MedGen C5231456, MONDO:0032864, OMIM 618672.
Inborn genetic diseases. Identifiers: MedGen C0950123, MeSH D030342.

Allele frequency attached by ClinVar (database versions not stated): ExAC 0.00002; TOPMed 0.00001.

Submissions (3):

Centre for Medical Genetics,  Mumbai
Classification: Likely benign for Intellectual developmental disorder with speech delay, autism, and dysmorphic facies. Last evaluated: 2026-03-10. Review status: criteria provided, single submitter. Criteria: ACMG Guidelines, 2015. Collection method: provider interpretation. Allele origin: germline. Inheritance: Autosomal dominant inheritance. Affected: no. Observed: 1 variant allele, 1 heterozygote.
Comment: The variant satisfies PM2 criteria; Extremely low frequency in gnomAD population databases. The variant satisfies PP2 criteria; Missense variant in a gene with low rate of benign missense mutations and for which missense mutation is a common mechanism of a disease. However, the variant satisfies BS2 criteria.

Ambry Genetics
Classification: Uncertain significance for Inborn genetic diseases. Last evaluated: 2024-11-22. Review status: criteria provided, single submitter. Criteria: Ambry Variant Classification Scheme 2023. Collection method: clinical testing. Allele origin: germline.

Labcorp Genetics (formerly Invitae), Labcorp
Classification: Uncertain significance. Last evaluated: 2023-07-12. Review status: criteria provided, single submitter. Criteria: Invitae Variant Classification Sherloc (09022015). Collection method: clinical testing. Allele origin: germline.
Comment: This variant is present in population databases (rs754139680, gnomAD 0.003%). In summary, the available evidence is currently insufficient to determine the role of this variant in disease. Therefore, it has been classified as a Variant of Uncertain Significance. An algorithm developed to predict the effect of missense changes on protein structure and function (PolyPhen-2) suggests that this variant is likely to be disruptive. This variant has not been reported in the literature in individuals affected with CNOT3-related conditions. This sequence change replaces arginine, which is basic and polar, with glutamine, which is neutral and polar, at codon 171 of the CNOT3 protein (p.Arg171Gln).

Literature cited by the submitters: PubMed 31201375 (cited by Centre for Medical Genetics,  Mumbai).

NM_014516.4(CNOT3):c.512G>A (p.Arg171Gln)

Gene: CNOT3 (CCR4-NOT transcription complex subunit 3; plus strand). Cytogenetic location: 19q13.42.
Variant type: single nucleotide variant.
Coding change: c.512G>A on transcript NM_014516.4 (MANE Select); coding-DNA position 512, G replaced by A.
Protein change: p.Arg171Gln; replaces arginine 171 with glutamine.
Molecular consequence: missense variant.
Genome position (GRCh38, 1-based): chr19:54,145,626, G>A. VCF-style: chr19-54145626-G-A. GRCh37 (hg19) VCF-style: chr19-54649362-G-A.
Other names: c.512G>A (NM_014516.3); short protein forms R171Q.
Identifiers: ClinVar variation 2867662 (VCV002867662.5), dbSNP rs754139680, ClinGen allele CA309339062.